The following is an entry in ClinVar:

NM_004415.4(DSP):c.4948A>G (p.Thr1650Ala)

Gene: DSP (desmoplakin; plus strand). Cytogenetic location: 6p24.3.
Variant type: single nucleotide variant.
Coding change: c.4948A>G on transcript NM_004415.4 (MANE Select); coding-DNA position 4948, A replaced by G.
Protein change: p.Thr1650Ala; replaces threonine 1650 with alanine.
Molecular consequence: missense variant. On other transcripts: intron variant (2).
Genome position (GRCh38, 1-based): chr6:7,581,138, A>G. VCF-style: chr6-7581138-A-G. GRCh37 (hg19) VCF-style: chr6-7581371-A-G.
Other names: c.4050+898A>G (NM_001319034.2); c.3582+1366A>G (NM_001008844.3); short protein forms T1650A.
Identifiers: ClinVar variation 1378090 (VCV001378090.4), dbSNP rs2113695282, ClinGen allele CA362687511.

ClinVar aggregate classification (germline): Uncertain significance. Review status: criteria provided, multiple submitters, no conflicts (2 of 4 stars). 2 submissions from 2 submitters: Uncertain significance (2). Last evaluated 2025-11-17.

Conditions:
Cardiomyopathy (CMYO). Also called: Cardiomyopathies. Identifiers: Orphanet 167848, MedGen C0878544, MONDO:0004994, HP:0001638. Inheritance: Various modes of inheritance.
Arrhythmogenic cardiomyopathy with wooly hair and keratoderma. Also called: PALMOPLANTAR KERATODERMA WITH LEFT VENTRICULAR CARDIOMYOPATHY AND WOOLLY HAIR; Arrhythmogenic cardiomyopathy with woolly hair and keratoderma; Dilated cardiomyopathy with woolly hair and keratoderma; Carvajal syndrome. Identifiers: Orphanet 65282, MedGen C1854063, MONDO:0011581, OMIM 605676.
Arrhythmogenic right ventricular dysplasia 8 (ARVD8). Also called: Arrhythmogenic Right Ventricular Dysplasia/Cardiomyopathy 8; ARRHYTHMOGENIC RIGHT VENTRICULAR DYSPLASIA, FAMILIAL, 8; ARRHYTHMOGENIC RIGHT VENTRICULAR CARDIOMYOPATHY 8. Identifiers: MedGen C1843896, MONDO:0011831, OMIM 607450.

Allele frequency attached by ClinVar (database versions not stated): gnomAD exomes below 0.00001.
gnomAD v4.1: 2 of 1,614,066 alleles (0.00012%); highest among the groups gnomAD compares: Admixed American, 0.0033%; no homozygotes.

Submissions (2):

Color Diagnostics, LLC DBA Color Health
Classification: Uncertain significance for Cardiomyopathy. Last evaluated: 2025-11-17. Review status: criteria provided, single submitter. Criteria: ACMG Guidelines, 2015. Collection method: clinical testing. Allele origin: germline.
Comment: This missense variant replaces threonine with alanine at codon 1650 of the DSP protein. Computational prediction suggests that this variant may not impact protein structure and function. To our knowledge, functional studies have not been reported for this variant. This variant has not been reported in individuals affected with DSP-related disorders in the literature. This variant has been identified in 2/1614066 chromosomes in the general population by the Genome Aggregation Database (gnomAD). The available evidence is insufficient to determine the role of this variant in disease conclusively. Therefore, this variant is classified as a Variant of Uncertain Significance.

Labcorp Genetics (formerly Invitae), Labcorp
Classification: Uncertain significance for Arrhythmogenic cardiomyopathy with wooly hair and keratoderma; Arrhythmogenic right ventricular dysplasia 8. Last evaluated: 2022-03-19. Review status: criteria provided, single submitter. Criteria: Invitae Variant Classification Sherloc (09022015). Collection method: clinical testing. Allele origin: germline.
Comment: This sequence change replaces threonine, which is neutral and polar, with alanine, which is neutral and non-polar, at codon 1650 of the DSP protein (p.Thr1650Ala). This variant is not present in population databases (gnomAD no frequency). This variant has not been reported in the literature in individuals affected with DSP-related conditions. Algorithms developed to predict the effect of missense changes on protein structure and function (SIFT, PolyPhen-2, Align-GVGD) all suggest that this variant is likely to be tolerated. In summary, the available evidence is currently insufficient to determine the role of this variant in disease. Therefore, it has been classified as a Variant of Uncertain Significance.